The following is an entry in ClinVar:

ClinVar aggregate classification (germline): Uncertain significance (1 of 4 stars; one submission).

Conditions:
Inborn genetic diseases. Identifiers: MedGen C0950123, MeSH D030342.

Submission:

Ambry Genetics
Classification: Uncertain significance for Inborn genetic diseases. Last evaluated: 2025-01-17. Review status: criteria provided, single submitter. Criteria: Ambry Variant Classification Scheme 2023. Collection method: clinical testing. Allele origin: germline.
Comment: The p.E923D variant (also known as c.2769G>T), located in coding exon 13 of the ASXL1 gene, results from a G to T substitution at nucleotide position 2769. The glutamic acid at codon 923 is replaced by aspartic acid, an amino acid with highly similar properties. This amino acid position is conserved. In addition, this alteration is predicted to be tolerated by in silico analysis. Based on the available evidence, the clinical significance of this variant remains unclear.

NM_015338.6(ASXL1):c.2769G>T (p.Glu923Asp)

Gene: ASXL1 (ASXL transcriptional regulator 1; plus strand). Cytogenetic location: 20q11.21.
Variant type: single nucleotide variant.
Coding change: c.2769G>T on transcript NM_015338.6 (MANE Select); coding-DNA position 2769, G replaced by T.
Protein change: p.Glu923Asp; replaces glutamic acid 923 with aspartic acid.
Molecular consequence: missense variant.
Genome position (GRCh38, 1-based): chr20:32,435,481, G>T. VCF-style: chr20-32435481-G-T. GRCh37 (hg19) VCF-style: chr20-31023284-G-T.
Other names: c.2586G>T, p.Glu862Asp (NM_001363734.1); short protein forms E923D, E862D.
Identifiers: ClinVar variation 3792454 (VCV003792454.1).